The following is an entry in ClinVar:

NM_173500.4(TTBK2):c.1936C>T (p.Gln646Ter)

Gene: TTBK2 (tau tubulin kinase 2; minus strand). Cytogenetic location: 15q15.2.
Variant type: single nucleotide variant.
Coding change: c.1936C>T on transcript NM_173500.4 (MANE Select); coding-DNA position 1936, C replaced by T.
Protein change: p.Gln646Ter; replaces glutamine 646 with a stop codon.
Molecular consequence: nonsense.
Genome position (GRCh38, 1-based): chr15:42,775,197, G>A on the plus strand (C>T on the coding strand, the complement: TTBK2 is on the minus strand). VCF-style: chr15-42775197-G-A. GRCh37 (hg19) VCF-style: chr15-43067395-G-A.
Other names: p.Gln646*; short protein forms Q646*.
Identifiers: ClinVar variation 4541930 (VCV004541930.1).
Genomic context (GRCh38, chr15:42,775,197, plus strand): 5'-CTGTAAGGGGTCCTTCTGCCTGCGCCTCCATTAGACTTGTGGGCGTCGCTGCAATAAACT[G>A]ACTAGCAGCTCCAGGCTGGAGTTCCAGCCTATCTGTATATTGTTCTGAAGCAGCAGTAGG-3'

ClinVar aggregate classification (germline): Uncertain significance (1 of 4 stars; one submission).

Submission:

Mayo Clinic Laboratories, Mayo Clinic
Classification: Uncertain significance. Last evaluated: 2025-07-12. Review status: criteria provided, single submitter. Criteria: ACMG Guidelines, 2015. Collection method: clinical testing. Allele origin: germline. Observed: 1 variant allele.
Comment: PM2_supporting, PVS1_strong